The following is an entry in ClinVar:

ClinVar aggregate classification (germline): Likely benign. Review status: criteria provided, multiple submitters, no conflicts (2 of 4 stars). 2 submissions from 2 submitters: Likely benign (2). Last evaluated 2026-05-01.

Allele frequency attached by ClinVar (database versions not stated): ExAC 0.00001; gnomAD exomes 0.00001 and 0.00002; TOPMed 0.00001; gnomAD 0.00002 and 0.00003.

Submissions (2):

CeGaT Center for Human Genetics Tuebingen
Classification: Likely benign. Last evaluated: 2026-05-01. Review status: criteria provided, single submitter. Criteria: CeGaT Center For Human Genetics Tuebingen Variant Classification Criteria Version 2. Collection method: clinical testing. Allele origin: germline. Affected: yes. Observed: 1 variant allele.
Comment: PPOX: BP4, BP7

Labcorp Genetics (formerly Invitae), Labcorp
Classification: Likely benign. Last evaluated: 2020-10-09. Review status: criteria provided, single submitter. Criteria: Invitae Variant Classification Sherloc (09022015). Collection method: clinical testing. Allele origin: germline.

NM_001122764.3(PPOX):c.477G>A (p.Ala159=)

Gene: PPOX (protoporphyrinogen oxidase; plus strand). Cytogenetic location: 1q23.3.
Variant type: single nucleotide variant.
Coding change: c.477G>A on transcript NM_001122764.3 (MANE Select); coding-DNA position 477, G replaced by A.
Protein change: p.Ala159=; no amino-acid change (alanine 159 retained).
Molecular consequence: synonymous variant. On other transcripts: 5 prime UTR variant (3).
Genome position (GRCh38, 1-based): chr1:161,168,437, G>A. VCF-style: chr1-161168437-G-A. GRCh37 (hg19) VCF-style: chr1-161138227-G-A.
Other names: c.477G>A, p.Ala159= (NM_000309.5, NM_001365398.1, NM_001365399.1); c.378G>A, p.Ala126= (NM_001350128.2); c.69G>A, p.Ala23= (NM_001350129.2, NM_001365400.1); c.-10G>A (NM_001350130.2, NM_001350131.2, NM_001365401.1).
Identifiers: ClinVar variation 1161298 (VCV001161298.11), dbSNP rs764721329, ClinGen allele CA1207166.